The following is an entry in ClinVar:

NM_032735.3(BEST3):c.819T>C (p.Ile273=)

Gene: BEST3 (bestrophin 3; minus strand). Cytogenetic location: 12q15.
Variant type: single nucleotide variant.
Coding change: c.819T>C on transcript NM_032735.3 (MANE Select); coding-DNA position 819, T replaced by C.
Protein change: p.Ile273=; no amino-acid change (isoleucine 273 retained).
Molecular consequence: synonymous variant. On other transcripts: intron variant (1).
Genome position (GRCh38, 1-based): chr12:69,676,964, A>G on the plus strand (T>C on the coding strand, the complement: BEST3 is on the minus strand). VCF-style: chr12-69676964-A-G. GRCh37 (hg19) VCF-style: chr12-70070744-A-G.
Other names: c.501T>C, p.Ile167= (NM_001282613.2); c.819T>C, p.Ile273= (NM_001282614.2); c.228+216T>C (NM_152439.4).
Identifiers: ClinVar variation 3341564 (VCV003341564.16).
Genomic context (GRCh38, chr12:69,676,964, plus strand): 5'-ACCACTGGCTACCTTAAGCCATCCTGCATAGAAGAAGAATTGTAGGAGGGTGAAGATGGG[A>G]ATGTAAAGATCCAAGTCATGCCCTGCGTAGCCTTTGGTGGGATCCAAAAACTGGCGTCCA-3'
Protein context (NP_116124.2, residues 263-283): GYAGHDLDLY[Ile273=]PIFTLLQFFF

ClinVar aggregate classification (germline): Likely benign (1 of 4 stars; one submission).

Submission:

CeGaT Center for Human Genetics Tuebingen
Classification: Likely benign. Last evaluated: 2024-02-01. Review status: criteria provided, single submitter. Criteria: CeGaT Center For Human Genetics Tuebingen Variant Classification Criteria Version 2. Collection method: clinical testing. Allele origin: germline. Affected: yes. Observed: 1 variant allele.
Comment: BEST3: BP4, BP7, BS2